The following is an entry in ClinVar:

NM_001005273.3(CHD3):c.3515G>A (p.Arg1172Gln)

Gene: CHD3 (chromodomain helicase DNA binding protein 3; plus strand). Cytogenetic location: 17p13.1.
Variant type: single nucleotide variant.
Coding change: c.3515G>A on transcript NM_001005273.3 (MANE Select); coding-DNA position 3515, G replaced by A.
Protein change: p.Arg1172Gln; replaces arginine 1172 with glutamine.
Molecular consequence: missense variant.
Genome position (GRCh38, 1-based): chr17:7,903,291, G>A. VCF-style: chr17-7903291-G-A. GRCh37 (hg19) VCF-style: chr17-7806609-G-A.
Other names: c.3692G>A, p.Arg1231Gln (NM_001005271.3); c.3515G>A, p.Arg1172Gln (NM_005852.4); short protein forms R1172Q, R1231Q.
Identifiers: ClinVar variation 549743 (VCV000549743.19), dbSNP rs1567861501, ClinGen allele CA397942069.

ClinVar aggregate classification (germline): Pathogenic/Likely pathogenic. Review status: criteria provided, multiple submitters, no conflicts (2 of 4 stars). 11 submissions from 11 submitters: Pathogenic (7); Likely pathogenic (1). 3 of the submissions do not count toward it. Last evaluated 2022-02-09.

Conditions:
Intellectual disability. Also called: intellectual disabilities; Intellectual functioning disability; Intellectual developmental disorder. Identifiers: MedGen C3714756, MeSH D008607, MONDO:0001071, HP:0001249.
Chondrodysplasia. Identifiers: MedGen C0343284, MONDO:0022723.
CHD3-related disorders.
Snijders Blok-Campeau syndrome. Also called: INTELLECTUAL DEVELOPMENTAL DISORDER WITH MACROCEPHALY, SPEECH DELAY, AND DYSMORPHIC FACIES. Identifiers: Orphanet 599082, MedGen C4748701, MONDO:0032600, OMIM 618205.

Submissions (11):

AURAGEN, Plan France Médecine Génomique
Classification: Pathogenic for Chondrodysplasia. Last evaluated: 2022-02-09. Review status: criteria provided, single submitter. Criteria: PFMG2025 (Lancet Reg Health Eur. 2025). Collection method: clinical testing. Allele origin: germline. Affected: yes.

Blueprint Genetics
Classification: Pathogenic for CHD3-related disorders. Last evaluated: 2021-10-27. Review status: criteria provided, single submitter. Criteria: ACMG Guidelines, 2015. Collection method: clinical testing. Allele origin: de novo. Affected: yes. Observed: 1 variant allele.

Labcorp Genetics (formerly Invitae), Labcorp
Classification: Pathogenic. Last evaluated: 2021-09-02. Review status: criteria provided, single submitter. Criteria: Invitae Variant Classification Sherloc (09022015). Collection method: clinical testing. Allele origin: germline.

Institute of Human Genetics, University of Leipzig Medical Center
Classification: Pathogenic for Snijders Blok-Campeau syndrome. Last evaluated: 2021-07-26. Review status: criteria provided, single submitter. Criteria: ACMG Guidelines, 2015. Collection method: clinical testing. Allele origin: unknown. Affected: yes.

Department of Genetics, Rouen University Hospital, Normandy Center for Genomic and Personalized Medicine
Classification: Likely pathogenic for Snijders Blok-Campeau syndrome. Last evaluated: 2021-06-17. Review status: criteria provided, single submitter. Criteria: ACMG Guidelines, 2015. Collection method: clinical testing. Allele origin: unknown. Affected: yes.

Institute of Human Genetics Munich, TUM University Hospital
Classification: Pathogenic for Snijders Blok-Campeau syndrome. Last evaluated: 2020-02-24. Review status: criteria provided, single submitter. Criteria: Classification criteria August 2017. Collection method: clinical testing. Allele origin: de novo. Inheritance: Autosomal dominant inheritance. Affected: yes. Observed: 1 heterozygote.

Baylor Genetics
Classification: Pathogenic for Snijders Blok-Campeau syndrome. Last evaluated: 2019-10-08. Review status: criteria provided, single submitter. Criteria: ACMG Guidelines, 2015. Collection method: clinical testing. Allele origin: de novo. Affected: yes.
Comment: This variant was determined to be pathogenic according to ACMG Guidelines, 2015 [PMID:25741868].

SIB Swiss Institute of Bioinformatics
Classification: Pathogenic for Snijders Blok-Campeau syndrome. Last evaluated: 2019-02-19. Review status: criteria provided, single submitter. Criteria: ACMG Guidelines, 2015. Collection method: curation. Allele origin: unknown.
Comment: This variant is interpreted as a Pathogenic for Snijders Blok-Campeau syndrome, autosomal dominant. The following ACMG Tag(s) were applied: PM2 : Absent from controls (or at extremely low frequency if recessive) in Exome Sequencing Project, 1000 Genomes Project, or Exome Aggregation Consortium. PM6-Strong : Multiple de novo occurrences, but without confirmation of paternity and maternity (PMID:30397230). PM1-supporting : PM1 downgraded in strength to Supporting. PP2 : Missense variant in a gene that has a low rate of benign missense variation and in which missense variants are a common mechanism of disease. PP3 : Multiple lines of computational evidence support a deleterious effect on the gene or gene product. PS3 : Well-established functional studies show a deleterious effect (PMID:30397230).

OMIM
Classification: Pathogenic for SNIJDERS BLOK-CAMPEAU SYNDROME. Last evaluated: 2023-05-12. Review status: no assertion criteria provided. Collection method: literature only. Allele origin: germline. Not counted in ClinVar's aggregate classification.

CHU Sainte-Justine Research Center, University of Montreal
Classification: Likely pathogenic for Intellectual disability. Last evaluated: 2018-05-03. Review status: no assertion criteria provided. Collection method: research. Allele origin: germline. Affected: yes. Not counted in ClinVar's aggregate classification.

Cytogénomique, Hospices Civils de Lyon
Classification: Pathogenic for Snijders Blok-Campeau syndrome. Review status: no assertion criteria provided. Collection method: clinical testing. Allele origin: de novo. Inheritance: Autosomal dominant inheritance. Affected: yes. Not counted in ClinVar's aggregate classification.

Literature cited by the submitters: PubMed 30397230 (cited by SIB Swiss Institute of Bioinformatics and OMIM).